The following is an entry in ClinVar:

NM_001379081.2(FREM1):c.2558A>G (p.Asp853Gly)

Gene: FREM1 (FRAS1 related extracellular matrix 1; minus strand). Cytogenetic location: 9p22.3.
Variant type: single nucleotide variant.
Coding change: c.2558A>G on transcript NM_001379081.2 (MANE Select); coding-DNA position 2558, A replaced by G.
Protein change: p.Asp853Gly; replaces aspartic acid 853 with glycine.
Molecular consequence: missense variant. On other transcripts: non-coding transcript variant (2).
Genome position (GRCh38, 1-based): chr9:14,816,860, T>C on the plus strand (A>G on the coding strand, the complement: FREM1 is on the minus strand). VCF-style: chr9-14816860-T-C. GRCh37 (hg19) VCF-style: chr9-14816858-T-C.
Other names: c.2558A>G, p.Asp853Gly (NM_144966.7); short protein forms D853G.
Identifiers: ClinVar variation 2328770 (VCV002328770.3), dbSNP rs1340973379, ClinGen allele CA372954654.

ClinVar aggregate classification (germline): Uncertain significance. Review status: criteria provided, multiple submitters, no conflicts (2 of 4 stars). 2 submissions from 2 submitters: Uncertain significance (2). Last evaluated 2025-07-30.

Conditions:
Inborn genetic diseases. Identifiers: MedGen C0950123, MeSH D030342.

Allele frequency attached by ClinVar (database versions not stated): gnomAD 0.00001.
gnomAD v4.1: 6 of 1,368,738 alleles (0.00044%); highest among the groups gnomAD compares: East Asian, 0.005%; no homozygotes.

Submissions (2):

Labcorp Genetics (formerly Invitae), Labcorp
Classification: Uncertain significance. Last evaluated: 2025-07-30. Review status: criteria provided, single submitter. Criteria: Invitae Variant Classification Sherloc (09022015). Collection method: clinical testing. Allele origin: germline.
Comment: This sequence change replaces aspartic acid, which is acidic and polar, with glycine, which is neutral and non-polar, at codon 853 of the FREM1 protein (p.Asp853Gly). This variant is not present in population databases (gnomAD no frequency). This variant has not been reported in the literature in individuals affected with FREM1-related conditions. ClinVar contains an entry for this variant (Variation ID: 2328770). Invitae Evidence Modeling of protein sequence and biophysical properties (such as structural, functional, and spatial information, amino acid conservation, physicochemical variation, residue mobility, and thermodynamic stability) has been performed for this missense variant. However, the output from this modeling did not meet the statistical confidence thresholds required to predict the impact of this variant on FREM1 protein function. In summary, the available evidence is currently insufficient to determine the role of this variant in disease. Therefore, it has been classified as a Variant of Uncertain Significance.

Ambry Genetics
Classification: Uncertain significance for Inborn genetic diseases. Last evaluated: 2022-11-21. Review status: criteria provided, single submitter. Criteria: Ambry Variant Classification Scheme 2023. Collection method: clinical testing. Allele origin: germline.